The following is an entry in ClinVar:

NM_001195305.3(BBIP1):c.130G>A (p.Asp44Asn)

Gene: BBIP1 (BBSome interacting protein 1; minus strand). Cytogenetic location: 10q25.2.
Variant type: single nucleotide variant.
Coding change: c.130G>A on transcript NM_001195305.3 (MANE Select); coding-DNA position 130, G replaced by A.
Protein change: p.Asp44Asn; replaces aspartic acid 44 with asparagine.
Molecular consequence: missense variant.
Genome position (GRCh38, 1-based): chr10:110,900,509, C>T on the plus strand (G>A on the coding strand, the complement: BBIP1 is on the minus strand). VCF-style: chr10-110900509-C-T. GRCh37 (hg19) VCF-style: chr10-112660267-C-T.
Other names: c.287G>A, p.Arg96Lys (NM_001195304.2); c.130G>A, p.Asp44Asn (NM_001195306.2); c.55G>A, p.Asp19Asn (NM_001195307.2); c.64G>A, p.Asp22Asn (NM_001243783.3); short protein forms R96K, D19N, D22N, D44N.
Identifiers: ClinVar variation 4995463 (VCV004995463.1).

ClinVar aggregate classification (germline): Uncertain significance (1 of 4 stars; one submission).

Conditions:
BBIP1-related disorder. Also called: BBIP1-related condition.

Submission:

PreventionGenetics, part of Exact Sciences
Classification: Uncertain significance for BBIP1-related condition. Last evaluated: 2026-07-10. Review status: criteria provided, single submitter. Criteria: ACMG Guidelines, 2015. Collection method: clinical testing. Allele origin: germline.
Comment: The BBIP1 c.130G>A variant is predicted to result in the amino acid substitution p.Asp44Asn. To our knowledge, this variant has not been reported in the literature or in a large population database (gnomAD), indicating this variant is rare. At this time, the clinical significance of this variant is uncertain due to the absence of conclusive functional and genetic evidence.